The following is an entry in ClinVar:

ClinVar aggregate classification (germline): Benign. Review status: criteria provided, multiple submitters, no conflicts (2 of 4 stars). 3 submissions from 3 submitters: Benign (2). 1 of the submissions does not count toward it. Last evaluated 2019-09-17.

Conditions:
GSTZ1-related disorder. Also called: GSTZ1-related condition.

Allele frequency attached by ClinVar (database versions not stated): 1000 Genomes Project 30x 0.02983; 1000 Genomes Project 0.03055; TOPMed 0.05312; ESP Exome Variant Server 0.06037; gnomAD 0.06820 and 0.07097; gnomAD exomes 0.07000 and 0.08248; ExAC 0.09240.
gnomAD v4.1: 129,313 of 1,600,028 alleles (8.1%); highest among the groups gnomAD compares: Non-Finnish European, 8.9%; 6,542 homozygotes.

Submissions (3):

GeneDx
Classification: Benign. Last evaluated: 2019-09-17. Review status: criteria provided, single submitter. Criteria: GeneDx Variant Classification Process June 2021. Collection method: clinical testing. Allele origin: germline. Affected: yes.
Comment: This variant is associated with the following publications: (PMID: 10739172, 25525159, 19252927)

Breakthrough Genomics
Classification: Benign. Review status: criteria provided, single submitter. Criteria: ACMG Guidelines, 2015. Collection method: not provided. Allele origin: germline. Inheritance: Autosomal recessive inheritance. Affected: yes.

PreventionGenetics, part of Exact Sciences
Classification: Benign for GSTZ1-related condition. Last evaluated: 2019-11-26. Review status: no assertion criteria provided. Collection method: clinical testing. Allele origin: germline. Not counted in ClinVar's aggregate classification.
Comment: This variant is classified as benign based on ACMG/AMP sequence variant interpretation guidelines (Richards et al. 2015 PMID: 25741868, with internal and published modifications).

NM_145870.3(GSTZ1):c.124G>A (p.Gly42Arg)

Gene: GSTZ1 (glutathione S-transferase zeta 1; plus strand). Cytogenetic location: 14q24.3.
Variant type: single nucleotide variant.
Coding change: c.124G>A on transcript NM_145870.3 (MANE Select); coding-DNA position 124, G replaced by A.
Protein change: p.Gly42Arg; replaces glycine 42 with arginine.
Molecular consequence: missense variant. On other transcripts: 5 prime UTR variant (1).
Genome position (GRCh38, 1-based): chr14:77,326,894, G>A. VCF-style: chr14-77326894-G-A. GRCh37 (hg19) VCF-style: chr14-77793237-G-A.
Other names: c.-42G>A (NM_001312660.2); c.127G>A, p.Gly43Arg (NM_001363703.2); c.124G>A, p.Gly42Arg (NM_145871.3); short protein forms G42R, G43R.
Identifiers: ClinVar variation 1234080 (VCV001234080.6), dbSNP rs7972, ClinGen allele CA7286447.